The following is an entry in ClinVar:

ClinVar aggregate classification (germline): Pathogenic/Likely pathogenic. Review status: criteria provided, multiple submitters, no conflicts (2 of 4 stars). 26 submissions from 26 submitters: Pathogenic (21); Likely pathogenic (1). 4 of the submissions do not count toward it. Last evaluated 2026-09-21.

Conditions:
Charcot-Marie-Tooth disease axonal type 2T. Identifiers: Orphanet 443950, MedGen C4015635, OMIM 617017, MONDO:0014866.
Hereditary neuropathy or pain disorder.
Spinocerebellar ataxia 43 (SCA43). Identifiers: Orphanet 497764, MedGen C4310763, MONDO:0014867, OMIM 617018.
Charcot-Marie-Tooth disease type 2T. Identifiers: Orphanet 495274, MedGen CN294759, MONDO:0044640.
MME-related disorder. Also called: MME-related condition.

Submissions 1 to 13 of 26:

PreventionGenetics, part of Exact Sciences
Classification: Pathogenic for MME-related condition. Last evaluated: 2026-09-21. Review status: criteria provided, single submitter. Criteria: ACMG Guidelines, 2015. Collection method: clinical testing. Allele origin: germline.
Comment: The MME c.467delC variant is predicted to result in a frameshift and premature protein termination (p.Pro156Leufs*14). This variant, also known as c.466delC, has been reported in the homozygous or compound heterozygous state in individuals with late-onset Charcot-Marie-Tooth disease type 2 (see, for example: Lupo et al. 2018. PubMed ID: 30415211; Nortier et al. 2021. PubMed ID: 34307994; Grosz et al. 2024. PubMed ID: 38860315). Individuals who are heterozygous for this variant only have also been reported, with reduced penetrance and less severe phenotypes noted (Auer-Grumbach et al. 2016. PubMed ID: 27588448; Senderek et al. 2020. PubMed ID: 33144514). This variant has been shown to segregate with disease in multiple families, including some with affected heterozygous and homozygous members (see, for example: Senderek et al. 2020. PubMed ID: 33144514). This variant has also been described in the homozygous or compound heterozygous state in mothers of children presenting with alloimmune antenatal glomerulopathies/membranous nephropathy; several of these women, as well as homozygous male relatives, were later reported to develop symptoms of axonal neuropathy (Dupuis et al. 2020. PubMed ID: 31974930; Nortier et al. 2021. PubMed ID: 34307994). This variant is reported in 0.071% of alleles in individuals of Latino descent in gnomAD. Frameshift variants in MME are expected to be pathogenic. This variant is interpreted as pathogenic for autosomal recessive MME-related disorders and is likely a reduced penetrance risk variant in the heterozygous state.

CeGaT Center for Human Genetics Tuebingen
Classification: Pathogenic. Last evaluated: 2026-05-01. Review status: criteria provided, single submitter. Criteria: CeGaT Center For Human Genetics Tuebingen Variant Classification Criteria Version 2. Collection method: clinical testing. Allele origin: germline. Affected: yes. Observed: 17 variant alleles.
Comment: MME: PVS1, PP1:Moderate

Labcorp Genetics (formerly Invitae), Labcorp
Classification: Pathogenic. Last evaluated: 2026-01-02. Review status: criteria provided, single submitter. Criteria: Invitae Variant Classification Sherloc (09022015). Collection method: clinical testing. Allele origin: germline.
Comment: This sequence change creates a premature translational stop signal (p.Pro156Leufs*14) in the MME gene. It is expected to result in an absent or disrupted protein product. Loss-of-function variants in MME are known to be pathogenic (PMID: 26991897). This variant is present in population databases (rs749320057, gnomAD 0.07%). This premature translational stop signal has been observed in individual(s) with late-onset axonal Charcot-Marie-Tooth disease, and alloimmune antenatal membranous nephropathy (PMID: 15464186, 25565308, 27588448). ClinVar contains an entry for this variant (Variation ID: 426945). For these reasons, this variant has been classified as Pathogenic.

North West Genomic Laboratory Hub, Manchester University NHS Foundation Trust
Classification: Pathogenic for Hereditary neuropathy or pain disorder. Last evaluated: 2025-12-21. Review status: criteria provided, single submitter. Criteria: ACGS Best Practice Guidelines for Variant Classification in Rare Disease 2024. Collection method: clinical testing. Allele origin: germline. Affected: yes.
Comment: PVS1_VStr PM2_Mod

Clinical Genetics Laboratory, University Hospital Schleswig-Holstein
Classification: Pathogenic for Charcot-Marie-Tooth disease axonal type 2T. Last evaluated: 2025-04-23. Review status: criteria provided, single submitter. Criteria: ACMG Guidelines, 2015. Collection method: clinical testing. Allele origin: germline. Affected: yes. Observed: 1 heterozygote.
Comment: ACMG criteria applied: PM2, PS4, PVS1, PP4

Variantyx, Inc.
Classification: Pathogenic for Charcot-Marie-Tooth disease axonal type 2T. Last evaluated: 2025-03-17. Review status: criteria provided, single submitter. Criteria: Variantyx Assertion Criteria 2022. Collection method: clinical testing. Allele origin: germline.
Comment: This variant, also known as 466delC, is a frameshift variant in the MME gene (OMIM: 120520). Pathogenic variants in this gene have been associated with autosomal dominant or autosomal recessive Charcot-Marie-Tooth disease type 2T. This variant introduces a premature termination codon in exon 6 out of 23. It is expected to result in loss of function, which is a known disease mechanism for MME in this disorder (PMID: 26991897) (PVS1). This variant has been identified in the homozygous or compound heterozygous state in several individual(s) from the published literature (PMID: 31974930, 30415211) (PM3_Strong). This variant has a 0.1036% maximum allele frequency in non-founder control populations. Based on the current evidence, this variant is classified as pathogenic for autosomal recessive Charcot-Marie-Tooth disease type 2T. Please note that this variant has also been observed in the heterozygous state in multiple related and unrelated individuals with late-onset peripheral neuropathies (PMID: 27588448). Affected individuals had unstable gait, progressive muscle weakness, sensory loss and, in some cases, also hearing loss.

Blueprint Genetics
Classification: Pathogenic for MME-related disorders. Last evaluated: 2024-11-22. Review status: criteria provided, single submitter. Criteria: ACMG Guidelines, 2015. Collection method: clinical testing. Allele origin: germline. Affected: yes. Observed: 5 variant alleles.

Dasa
Classification: Pathogenic. Last evaluated: 2024-11-08. Review status: criteria provided, single submitter. Criteria: DASA Assertion Criteria. Collection method: clinical testing. Allele origin: germline.
Comment: NM_007289.4(MME):c.467del (p.Pro156Leufs*14) introduces a premature termination codon predicted to result in loss of normal protein function. Loss-of-function is an established mechanism of disease for this gene. This variant has been recurrently observed in affected individuals with related phenotype in a genotype context consistent with recessive disease (PMID: 31974930; PMID: 1546418; PMID: 27588448). The variant is present at low frequency in population datasets. Based on the available data, this variant is classified as pathogenic.

Centre of Medical Genetics, University Hospital Muenster
Classification: Pathogenic. Last evaluated: 2024-08-16. Review status: criteria provided, single submitter. Criteria: ACMG Guidelines, 2015. Collection method: clinical testing. Allele origin: unknown. Affected: yes. Observed: 1 variant allele, 1 heterozygote.
Comment: ACMG categories: PVS1,PS3,PS4

Fulgent Genetics
Classification: Pathogenic for Charcot-Marie-Tooth disease axonal type 2T; Spinocerebellar ataxia 43. Last evaluated: 2024-03-07. Review status: criteria provided, single submitter. Criteria: ACMG Guidelines, 2015. Collection method: clinical testing. Allele origin: germline.

Clinical Genetics Laboratory, Skane University Hospital Lund
Classification: Pathogenic. Last evaluated: 2024-01-29. Review status: criteria provided, single submitter. Criteria: ACMG Guidelines, 2015. Collection method: clinical testing. Allele origin: germline. Affected: yes.

Women's Health and Genetics/Laboratory Corporation of America, LabCorp
Classification: Pathogenic for Charcot-Marie-Tooth disease axonal type 2T. Last evaluated: 2024-01-15. Review status: criteria provided, single submitter. Criteria: LabCorp Variant Classification Summary - May 2015. Collection method: clinical testing. Allele origin: germline.
Comment: Variant summary: MME c.467delC (p.Pro156LeufsX14) results in a premature termination codon, predicted to cause absence of the protein due to nonsense mediated decay, which is a commonly known mechanism for disease. The variant allele was found at a frequency of 0.00026 in 250084 control chromosomes (gnomAD). c.467delC has been reported in the literature in multiple individuals affected with Charcot-Marie Disease Axonal Type 2T (Hoyer_2022). These data indicate that the variant is very likely to be associated with disease. The following publication has been ascertained in the context of this evaluation (PMID: 35318247). ClinVar contains an entry for this variant (Variation ID: 426945). Based on the evidence outlined above, the variant was classified as pathogenic.

Mayo Clinic Laboratories, Mayo Clinic
Classification: Pathogenic. Last evaluated: 2023-09-07. Review status: criteria provided, single submitter. Criteria: ACMG Guidelines, 2015. Collection method: clinical testing. Allele origin: germline. Observed: 3 variant alleles.
Comment: PP1_strong, PM3_strong, PS3_supporting, PS4, PVS1

NM_007289.4(MME):c.467del (p.Pro156fs)

Gene: MME (membrane metalloendopeptidase; plus strand). Cytogenetic location: 3q25.2.
Variant type: Deletion.
Coding change: c.467del on transcript NM_007289.4 (MANE Select); coding-DNA position 467, one base deleted (C; older notation c.467delC).
Protein change: p.Pro156fs; shifts the reading frame from proline 156.
Molecular consequence: frameshift variant.
Genome position (GRCh38, 1-based): chr3:155,116,691, C deleted; the last of 2 consecutive C bases (chr3:155,116,690-155,116,691); deleting either gives the same sequence. VCF-style (leftmost placement, unchanged base first): chr3-155116689-AC-A. GRCh37 (hg19) VCF-style: chr3-154834478-AC-A.
Other names: p.Pro156Leufs*14; c.467del (NM_007289.2, NM_007289.3); c.467delC (NM_000902.3, NM_007289.4); c.467del, p.Pro156fs (NM_000902.5, NM_001354642.2, NM_001354643.1 and 2 more transcripts); short protein forms P156fs.
Identifiers: ClinVar variation 426945 (VCV000426945.77), dbSNP rs749320057, ClinGen allele CA2675176.